The following is an entry in ClinVar:

ClinVar aggregate classification (germline): Pathogenic (1 of 4 stars; one submission).

Submission:

Labcorp Genetics (formerly Invitae), Labcorp
Classification: Pathogenic. Last evaluated: 2021-01-18. Review status: criteria provided, single submitter. Criteria: Invitae Variant Classification Sherloc (09022015). Collection method: clinical testing. Allele origin: germline.
Comment: This sequence change creates a premature translational stop signal (p.Glu64Argfs*100) in the ATP6V1B1 gene. It is expected to result in an absent or disrupted protein product. Loss-of-function variants in ATP6V1B1 are known to be pathogenic (PMID: 9916796, 18368028). This variant is not present in population databases (ExAC no frequency). This variant has not been reported in the literature in individuals with ATP6V1B1-related conditions. For these reasons, this variant has been classified as Pathogenic.

Literature cited by the submitters: PubMed 9916796; PubMed 18368028.

NM_001692.4(ATP6V1B1):c.190del (p.Glu64fs)

Gene: ATP6V1B1 (ATPase H+ transporting V1 subunit B1; plus strand). Cytogenetic location: 2p13.3.
Variant type: Deletion.
Coding change: c.190del on transcript NM_001692.4 (MANE Select); coding-DNA position 190, one base deleted (G; older notation c.190delG).
Protein change: p.Glu64fs; shifts the reading frame from glutamic acid 64.
Molecular consequence: frameshift variant.
Genome position (GRCh38, 1-based): chr2:70,958,061, G deleted; the last of 2 consecutive G bases (chr2:70,958,060-70,958,061); deleting either gives the same sequence. VCF-style (leftmost placement, unchanged base first): chr2-70958059-CG-C. GRCh37 (hg19) VCF-style: chr2-71185189-CG-C.
Other names: short protein forms E64fs.
Identifiers: ClinVar variation 1350336 (VCV001350336.6), dbSNP rs2104825065, ClinGen allele CA2573135875.